The following is an entry in ClinVar:

ClinVar aggregate classification (germline): Uncertain significance (0 of 4 stars; one submission).

Conditions:
ATP8B1-related disorder. Also called: ATP8B1-related disorders; ATP8B1-related condition.

gnomAD v4.1: 2 of 1,614,186 alleles (0.00012%); highest among the groups gnomAD compares: African/African-American, 0.0027%; no homozygotes.

Submission:

PreventionGenetics, part of Exact Sciences
Classification: Uncertain significance for ATP8B1-related condition. Last evaluated: 2024-02-22. Review status: no assertion criteria provided. Collection method: clinical testing. Allele origin: germline.
Comment: The ATP8B1 c.3178G>C variant is predicted to result in the amino acid substitution p.Gly1060Arg. To our knowledge, this variant has not been reported in the literature or in a large population database, indicating this variant is rare. At this time, the clinical significance of this variant is uncertain due to the absence of conclusive functional and genetic evidence.

NM_001374385.1(ATP8B1):c.3178G>C (p.Gly1060Arg)

Genes: ATP8B1 (ATPase phospholipid transporting 8B1; minus strand), ATP8B1-AS1 (ATP8B1 antisense RNA 1; plus strand). Cytogenetic location: 18q21.31.
Variant type: single nucleotide variant.
Coding change: c.3178G>C on transcript NM_001374385.1 (MANE Select); coding-DNA position 3178, G replaced by C.
Protein change: p.Gly1060Arg; replaces glycine 1060 with arginine.
Molecular consequence: missense variant.
Genome position (GRCh38, 1-based): chr18:57,652,567, C>G on the plus strand (G>C on the coding strand, the complement: ATP8B1 is on the minus strand). VCF-style: chr18-57652567-C-G. GRCh37 (hg19) VCF-style: chr18-55319799-C-G.
Other names: c.3028G>C, p.Gly1010Arg (NM_001374386.1); c.3178G>C, p.Gly1060Arg (NM_005603.6); short protein forms G1010R, G1060R.
Identifiers: ClinVar variation 3061247 (VCV003061247.2), dbSNP rs1484601375, ClinGen allele CA402543919.
Genomic context (GRCh38, chr18:57,652,567, plus strand): 5'-GAGCAGAGGCAATGGTGACGGCAAAAGACTGGTAGTCGGAAGGTGCCTCTCCATCCTGCC[C>G]TACGGTTTGCAGATAAGCTCCAAGAGGTATGAAGAAGAGGATCATCGATGTTAGGACCCC-3'
Protein context (NP_001361314.1, residues 1050-1070): IPLGAYLQTV[Gly1060Arg]QDGEAPSDYQ